The following is an entry in ClinVar:

ClinVar aggregate classification (germline): Benign; risk factor. Review status: no assertion criteria provided (0 of 4 stars). 2 submissions from 2 submitters: Benign (1). Last evaluated 2019-11-21.

Conditions:
Legionnaire disease, susceptibility to. Identifiers: MedGen C1837872, MONDO:0012057, OMIM 608556.
TLR5-related disorder. Also called: TLR5-related condition.

Allele frequency attached by ClinVar (database versions not stated): 1000 Genomes Project 0.14018; gnomAD 0.12376 and 0.11890; ExAC 0.14872; gnomAD exomes 0.15546; TOPMed 0.12261; 1000 Genomes Project 30x 0.13445.

Submissions (2):

PreventionGenetics, part of Exact Sciences
Classification: Benign for TLR5-related condition. Last evaluated: 2019-11-21. Review status: no assertion criteria provided. Collection method: clinical testing. Allele origin: germline.
Comment: This variant is classified as benign based on ACMG/AMP sequence variant interpretation guidelines (Richards et al. 2015 PMID: 25741868, with internal and published modifications).

OMIM
Classification: risk factor for LEGIONNAIRE DISEASE, SUSCEPTIBILITY TO. Last evaluated: 2003-11-17. Review status: no assertion criteria provided. Collection method: literature only. Allele origin: germline.

Literature cited by the submitters: PubMed 14623910 (cited by OMIM).

NM_003268.6(TLR5):c.1775A>G (p.Asn592Ser)

Gene: TLR5 (toll like receptor 5; minus strand). Cytogenetic location: 1q41.
Variant type: single nucleotide variant.
Coding change: c.1775A>G on transcript NM_003268.6 (MANE Select); coding-DNA position 1775, A replaced by G.
Protein change: p.Asn592Ser; replaces asparagine 592 with serine.
Molecular consequence: missense variant.
Genome position (GRCh38, 1-based): chr1:223,111,257, T>C on the plus strand (A>G on the coding strand, the complement: TLR5 is on the minus strand). VCF-style: chr1-223111257-T-C. GRCh37 (hg19) VCF-style: chr1-223284599-T-C.
Other names: c.1775A>G (NM_003268.5); short protein forms N592S.
Identifiers: ClinVar variation 6659 (VCV000006659.3), dbSNP rs2072493, ClinGen allele CA118402.